The following is an entry in ClinVar:

ClinVar aggregate classification (germline): Uncertain significance. Review status: criteria provided, multiple submitters, no conflicts (2 of 4 stars). 2 submissions from 2 submitters: Uncertain significance (2). Last evaluated 2026-01-23.

Conditions:
Glycogen storage disease, type V (GSD5). Also called: MUSCLE GLYCOGEN PHOSPHORYLASE DEFICIENCY; MYOPHOSPHORYLASE DEFICIENCY; PYGM DEFICIENCY; McArdle type glycogen storage disease; MCARDLE DISEASE. Identifiers: Orphanet 368, MedGen C0017924, MONDO:0009293, OMIM 232600.

Submissions (2):

3billion
Classification: Uncertain significance for Glycogen storage disease, type V. Last evaluated: 2026-01-23. Review status: criteria provided, single submitter. Criteria: ACMG Guidelines, 2015. Collection method: clinical testing. Allele origin: germline. Affected: yes.
Comment: The variant is not observed in the gnomAD v4.1.0 dataset. Predicted Consequence/Location: Missense variant In silico tool prediction suggests damaging effect of the variant on gene or gene product [REVEL: 0.94 (>=0.6, sensitivity 0.68 and specificity 0.92)]. The variant has been reported as of uncertain significance (ClinVar ID: VCV000938342). Therefore, this variant is classified as VUS according to the recommendation of ACMG/AMP guideline.

Labcorp Genetics (formerly Invitae), Labcorp
Classification: Uncertain significance for Glycogen storage disease, type V. Last evaluated: 2019-05-24. Review status: criteria provided, single submitter. Criteria: Invitae Variant Classification Sherloc (09022015). Collection method: clinical testing. Allele origin: germline.
Comment: This sequence change replaces histidine with tyrosine at codon 400 of the PYGM protein (p.His400Tyr). The histidine residue is highly conserved and there is a moderate physicochemical difference between histidine and tyrosine. This variant is not present in population databases (ExAC no frequency). This variant has not been reported in the literature in individuals with PYGM-related conditions. Algorithms developed to predict the effect of missense changes on protein structure and function (SIFT, PolyPhen-2, Align-GVGD) all suggest that this variant is likely to be disruptive, but these predictions have not been confirmed by published functional studies and their clinical significance is uncertain. In summary, the available evidence is currently insufficient to determine the role of this variant in disease. Therefore, it has been classified as a Variant of Uncertain Significance.

NM_005609.4(PYGM):c.1198C>T (p.His400Tyr)

Gene: PYGM (glycogen phosphorylase, muscle associated; minus strand). Cytogenetic location: 11q13.1.
Variant type: single nucleotide variant.
Coding change: c.1198C>T on transcript NM_005609.4 (MANE Select); coding-DNA position 1198, C replaced by T.
Protein change: p.His400Tyr; replaces histidine 400 with tyrosine.
Molecular consequence: missense variant.
Genome position (GRCh38, 1-based): chr11:64,753,920, G>A on the plus strand (C>T on the coding strand, the complement: PYGM is on the minus strand). VCF-style: chr11-64753920-G-A. GRCh37 (hg19) VCF-style: chr11-64521392-G-A.
Other names: c.934C>T, p.His312Tyr (NM_001164716.1); short protein forms H400Y, H312Y.
Identifiers: ClinVar variation 938342 (VCV000938342.2), dbSNP rs2058375583, ClinGen allele CA381176480.